The following is an entry in ClinVar:

ClinVar aggregate classification (germline): Pathogenic (1 of 4 stars; one submission).

Conditions:
Cardiovascular phenotype. Identifiers: MedGen CN230736.
Hereditary cancer-predisposing syndrome. Also called: Neoplastic Syndromes, Hereditary; Tumor predisposition; Hereditary Cancer Syndrome; Hereditary neoplastic syndrome. Identifiers: Orphanet 140162, MedGen C0027672, MeSH D009386, MONDO:0015356.

Submission:

Ambry Genetics
Classification: Pathogenic for Cardiovascular phenotype; Hereditary cancer-predisposing syndrome. Last evaluated: 2026-04-22. Review status: criteria provided, single submitter. Criteria: Ambry Variant Classification Scheme 2023. Collection method: clinical testing. Allele origin: germline.
Comment: The c.569_570delTT pathogenic mutation, located in coding exon 6 of the LZTR1 gene, results from a deletion of two nucleotides at nucleotide positions 569 to 570, causing a translational frameshift with a predicted alternate stop codon (p.F190Cfs*4). This alteration is expected to result in loss of function by premature protein truncation or nonsense-mediated mRNA decay. Loss-of-function variants in LZTR1 are related to an increased risk for schwannomas and autosomal recessive Noonan syndrome; however, such associations with autosomal dominant Noonan syndrome have not been observed (Piotrowski A et al. Nat Genet. 2014 Feb;46:182-7; Yamamoto GL et al. J Med Genet. 2015 Jun;52:413-21; Johnston JJ et al. Genet Med. 2018 10;20:1175-1185). Based on the supporting evidence, this variant is pathogenic for an increased risk of LZTR1-related schwannomatosis (SWN) and would be expected to cause autosomal recessive Noonan syndrome when present along with a second pathogenic or likely pathogenic variant on the other allele; however, the association of this variant with autosomal dominant Noonan syndrome is unlikely.

NM_006767.4(LZTR1):c.569_570del (p.Phe190fs)

Gene: LZTR1 (leucine zipper like post translational regulator 1; plus strand). Cytogenetic location: 22q11.21.
Variant type: Deletion.
Coding change: c.569_570del on transcript NM_006767.4 (MANE Select); coding-DNA positions 569 to 570, 2 bases deleted (TT; older notation c.569_570delTT).
Protein change: p.Phe190fs; shifts the reading frame from phenylalanine 190.
Molecular consequence: frameshift variant.
Genome position (GRCh38, 1-based): chr22:20,988,848-20,988,849, TT deleted; deleting any 2 consecutive bases within chr22:20,988,847-20,988,849 gives the same sequence; the c. name uses the placement nearest the transcript's 3' end. VCF-style (leftmost placement, unchanged base first): chr22-20988846-CTT-C. GRCh37 (hg19) VCF-style: chr22-21343135-CTT-C.
Other names: short protein forms F190fs.
Identifiers: ClinVar variation 4859384 (VCV004859384.1).